The following is an entry in ClinVar:

NM_001061.7(TBXAS1):c.856C>T (p.Arg286Ter)

Gene: TBXAS1 (thromboxane A synthase 1; plus strand). Cytogenetic location: 7q34.
Variant type: single nucleotide variant.
Coding change: c.856C>T on transcript NM_001061.7 (MANE Select); coding-DNA position 856, C replaced by T.
Protein change: p.Arg286Ter; replaces arginine 286 with a stop codon.
Molecular consequence: nonsense.
Genome position (GRCh38, 1-based): chr7:139,961,955, C>T. VCF-style: chr7-139961955-C-T. GRCh37 (hg19) VCF-style: chr7-139661754-C-T.
Other names: c.856C>T, p.Arg286Ter (NM_001130966.5, NM_030984.6); c.994C>T, p.Arg332Ter (NM_001166253.4); c.655C>T, p.Arg219Ter (NM_001166254.4); c.799C>T, p.Arg267Ter (NM_001314028.4); c.673C>T, p.Arg225Ter (NM_001366537.3); short protein forms R219*, R286*, R332*, R225*, R267*.
Identifiers: ClinVar variation 504161 (VCV000504161.11), dbSNP rs766799764, ClinGen allele CA4511832.

ClinVar aggregate classification (germline): Conflicting classifications of pathogenicity. Review status: criteria provided, conflicting classifications (1 of 4 stars). 5 submissions from 5 submitters: Pathogenic (3); Likely pathogenic (1); Uncertain significance (1). Last evaluated 2026-07-01.

Conditions:
Ghosal hematodiaphyseal dysplasia. Also called: Ghosal hematodiaphyseal syndrome. Identifiers: Orphanet 1802, MedGen C1856465, MONDO:0009274, OMIM 231095.

Allele frequency attached by ClinVar (database versions not stated): ExAC 0.00004; TOPMed 0.00007; gnomAD 0.00009 and 0.00010.
gnomAD v4.1: 60 of 1,614,094 alleles (0.0037%); highest among the groups gnomAD compares: East Asian, 0.031%; no homozygotes.

Submissions (5):

CeGaT Center for Human Genetics Tuebingen
Classification: Pathogenic. Last evaluated: 2026-07-01. Review status: criteria provided, single submitter. Criteria: CeGaT Center For Human Genetics Tuebingen Variant Classification Criteria Version 2. Collection method: clinical testing. Allele origin: germline. Affected: yes. Observed: 1 variant allele.
Comment: TBXAS1: PVS1, PM2, PM3:Supporting

Women's Health and Genetics/Laboratory Corporation of America, LabCorp
Classification: Pathogenic for Ghosal hematodiaphyseal dysplasia. Last evaluated: 2025-03-17. Review status: criteria provided, single submitter. Criteria: LabCorp Variant Classification Summary - May 2015. Collection method: clinical testing. Allele origin: germline.
Comment: Variant summary: TBXAS1 c.856C>T (p.Arg286X) results in a premature termination codon, predicted to cause a truncation of the encoded protein or absence of the protein due to nonsense mediated decay, which are commonly known mechanisms for disease. The variant allele was found at a frequency of 7.2e-05 in 249492 control chromosomes (gnomAD). This frequency is not significantly higher than estimated for a pathogenic variant in TBXAS1 causing Ghosal Hematodiaphyseal Dysplasia, allowing no conclusion about variant significance. c.856C>T has been reported in the literature in at least one homozygous individual affected with Ghosal Hematodiaphyseal Dysplasia (Brown_2023). These data indicate that the variant may be associated with disease. To our knowledge, no experimental evidence demonstrating an impact on protein function has been reported. The following publication have been ascertained in the context of this evaluation (PMID: 36574346). ClinVar contains an entry for this variant (Variation ID: 504161). Based on the evidence outlined above, the variant was classified as pathogenic.

First Genomix Gene Laboratory, Genetic Diagnostics Department
Classification: Likely pathogenic for Ghosal hematodiaphyseal dysplasia. Last evaluated: 2025-01-10. Review status: criteria provided, single submitter. Criteria: ACMG Guidelines, 2015. Collection method: clinical testing. Allele origin: germline. Inheritance: Autosomal recessive inheritance. Affected: no. Observed: 1 variant allele.

Labcorp Genetics (formerly Invitae), Labcorp
Classification: Pathogenic. Last evaluated: 2024-07-16. Review status: criteria provided, single submitter. Criteria: Invitae Variant Classification Sherloc (09022015). Collection method: clinical testing. Allele origin: germline.
Comment: This sequence change creates a premature translational stop signal (p.Arg287*) in the TBXAS1 gene. It is expected to result in an absent or disrupted protein product. Loss-of-function variants in TBXAS1 are known to be pathogenic (PMID: 22735388). This variant is present in population databases (rs766799764, gnomAD 0.04%). This variant has not been reported in the literature in individuals affected with TBXAS1-related conditions. ClinVar contains an entry for this variant (Variation ID: 504161). For these reasons, this variant has been classified as Pathogenic.

GeneDx
Classification: Uncertain significance. Last evaluated: 2018-01-31. Review status: criteria provided, single submitter. Criteria: GeneDx Variant Classification (06012015). Collection method: clinical testing. Allele origin: germline. Affected: yes.
Comment: The R287X variant in the TBXAS1 gene has not been reported previously as a pathogenic variant nor as a benign variant, to our knowledge. This variant is predicted to cause loss of normal protein function either through protein truncation or nonsense-mediated mRNA decay. The R287X variant is observed in 7/18866 (0.04%) alleles from individuals of East Asian background, and in 20/275,228 total alleles in large population cohorts (Lek et al., 2016). We interpret R287X as a variant of uncertain significance.

Literature cited by the submitters: PubMed 36574346 (cited by Women's Health and Genetics/Laboratory Corporation of America, LabCorp); PubMed 22735388 (cited by Labcorp Genetics (formerly Invitae), Labcorp).